The following is an entry in ClinVar:

ClinVar aggregate classification (germline): Uncertain significance (1 of 4 stars; one submission).

Allele frequency attached by ClinVar (database versions not stated): gnomAD exomes 0.00020; ExAC 0.00088; TOPMed 0.00161; gnomAD 0.00166; ESP Exome Variant Server 0.00175; 1000 Genomes Project 30x 0.00234; 1000 Genomes Project 0.00240.
gnomAD v4.1: 533 of 1,551,400 alleles (0.034%); highest among the groups gnomAD compares: African/African-American, 0.59%; 1 homozygote.

Submission:

GeneDx
Classification: Uncertain significance. Last evaluated: 2023-01-28. Review status: criteria provided, single submitter. Criteria: GeneDx Variant Classification Process June 2021. Collection method: clinical testing. Allele origin: germline. Affected: yes.
Comment: In silico analysis supports that this missense variant does not alter protein structure/function; Has not been previously published as pathogenic or benign to our knowledge

NM_001367479.1(DNAH14):c.9808G>A (p.Ala3270Thr)

Gene: DNAH14 (dynein axonemal heavy chain 14; plus strand). Cytogenetic location: 1q42.12.
Variant type: single nucleotide variant.
Coding change: c.9808G>A on transcript NM_001367479.1 (MANE Select); coding-DNA position 9808, G replaced by A.
Protein change: p.Ala3270Thr; replaces alanine 3270 with threonine.
Molecular consequence: missense variant.
Genome position (GRCh38, 1-based): chr1:225,331,521, G>A. VCF-style: chr1-225331521-G-A. GRCh37 (hg19) VCF-style: chr1-225519223-G-A.
Other names: NM_001373.1:c.9529G>A; short protein forms A3270T.
Identifiers: ClinVar variation 2574254 (VCV002574254.1), dbSNP rs185348183, ClinGen allele CA1416577.
Genomic context (GRCh38, chr1:225,331,521, plus strand): 5'-CAGGCAGCTTACAAAGATACCGTTGCTGAAAAACAACTATTAGCAAATCGGAAAACAATG[G>A]CCAGCAGGCGCTTTCAGTGTGCGTCAGTCTTACTAACTGTCCTGGAAGATGAGAAGGCAT-3'
Protein context (NP_001354408.1, residues 3260-3280): KQLLANRKTM[Ala3270Thr]SRRFQCASVL